The following is an entry in ClinVar:

ClinVar aggregate classification (germline): Uncertain significance (1 of 4 stars; one submission).

Conditions:
Pitt-Hopkins-like syndrome 2 (PTHSL2). Identifiers: Orphanet 221150, Orphanet 600663, MedGen C3280479, MONDO:0013690, OMIM 614325.

Allele frequency attached by ClinVar (database versions not stated): TOPMed 0.00001.
gnomAD v4.1: 1 of 1,601,684 alleles (0.000062%); highest among the groups gnomAD compares: African/African-American, 0.0013%; no homozygotes.

Submission:

Labcorp Genetics (formerly Invitae), Labcorp
Classification: Uncertain significance for Pitt-Hopkins-like syndrome 2. Last evaluated: 2024-02-24. Review status: criteria provided, single submitter. Criteria: Invitae Variant Classification Sherloc (09022015). Collection method: clinical testing. Allele origin: germline.
Comment: This sequence change replaces glutamic acid, which is acidic and polar, with glutamine, which is neutral and polar, at codon 99 of the NRXN1 protein (p.Glu99Gln). This variant is not present in population databases (gnomAD no frequency). This variant has not been reported in the literature in individuals affected with NRXN1-related conditions. ClinVar contains an entry for this variant (Variation ID: 1036433). An algorithm developed to predict the effect of missense changes on protein structure and function (PolyPhen-2) suggests that this variant is likely to be disruptive. In summary, the available evidence is currently insufficient to determine the role of this variant in disease. Therefore, it has been classified as a Variant of Uncertain Significance.

NM_001330078.2(NRXN1):c.295G>C (p.Glu99Gln)

Gene: NRXN1 (neurexin 1; minus strand). Cytogenetic location: 2p16.3.
Variant type: single nucleotide variant.
Coding change: c.295G>C on transcript NM_001330078.2 (MANE Select); coding-DNA position 295, G replaced by C.
Protein change: p.Glu99Gln; replaces glutamic acid 99 with glutamine.
Molecular consequence: missense variant.
Genome position (GRCh38, 1-based): chr2:51,027,979, C>G on the plus strand (G>C on the coding strand, the complement: NRXN1 is on the minus strand). VCF-style: chr2-51027979-C-G. GRCh37 (hg19) VCF-style: chr2-51255117-C-G.
Other names: c.295G>C, p.Glu99Gln (NM_001135659.3, NM_001330077.2, NM_001330079.2 and 15 more transcripts); short protein forms E99Q.
Identifiers: ClinVar variation 1036433 (VCV001036433.8), dbSNP rs779511888, ClinGen allele CA346824288.